The following is an entry in ClinVar:

ClinVar aggregate classification (germline): Uncertain significance (1 of 4 stars; one submission).

Conditions:
X-linked Emery-Dreifuss muscular dystrophy. Also called: Muscular dystrophy, tardive Emery-Dreifuss type, with contractures. Identifiers: Orphanet 261, Orphanet 98863, MedGen C0751337, MONDO:0010680.

Submission:

Labcorp Genetics (formerly Invitae), Labcorp
Classification: Uncertain significance for X-linked Emery-Dreifuss muscular dystrophy. Last evaluated: 2025-12-30. Review status: criteria provided, single submitter. Criteria: Invitae Variant Classification Sherloc (09022015). Collection method: clinical testing. Allele origin: germline.
Comment: This sequence change replaces arginine, which is basic and polar, with lysine, which is basic and polar, at codon 32 of the EMD protein (p.Arg32Lys). This variant is not present in population databases (gnomAD no frequency). This variant has not been reported in the literature in individuals affected with EMD-related conditions. Invitae Evidence Modeling of protein sequence and biophysical properties (such as structural, functional, and spatial information, amino acid conservation, physicochemical variation, residue mobility, and thermodynamic stability) indicates that this missense variant is not expected to disrupt EMD protein function with a negative predictive value of 80%. In summary, the available evidence is currently insufficient to determine the role of this variant in disease. Therefore, it has been classified as a Variant of Uncertain Significance.

NM_000117.3(EMD):c.95G>A (p.Arg32Lys)

Gene: EMD (emerin; plus strand). Cytogenetic location: Xq28.
Variant type: single nucleotide variant.
Coding change: c.95G>A on transcript NM_000117.3 (MANE Select); coding-DNA position 95, G replaced by A.
Protein change: p.Arg32Lys; replaces arginine 32 with lysine.
Molecular consequence: missense variant.
Genome position (GRCh38, 1-based): chrX:154,379,702, G>A. VCF-style: chrX-154379702-G-A. GRCh37 (hg19) VCF-style: chrX-153608062-G-A.
Other names: short protein forms R32K.
Identifiers: ClinVar variation 4745579 (VCV004745579.1).